The following is an entry in ClinVar:

NM_000138.5(FBN1):c.5660C>T (p.Thr1887Ile)

Gene: FBN1 (fibrillin 1; minus strand). Cytogenetic location: 15q21.1.
Variant type: single nucleotide variant.
Coding change: c.5660C>T on transcript NM_000138.5 (MANE Select); coding-DNA position 5660, C replaced by T.
Protein change: p.Thr1887Ile; replaces threonine 1887 with isoleucine.
Molecular consequence: missense variant.
Genome position (GRCh38, 1-based): chr15:48,448,779, G>A on the plus strand (C>T on the coding strand, the complement: FBN1 is on the minus strand). VCF-style: chr15-48448779-G-A. GRCh37 (hg19) VCF-style: chr15-48740976-G-A.
Other names: c.5660C>T, p.Thr1887Ile (NM_001406716.1); short protein forms T1887I.
Identifiers: ClinVar variation 4758532 (VCV004758532.1).

ClinVar aggregate classification (germline): Uncertain significance (1 of 4 stars; one submission).

Conditions:
Familial thoracic aortic aneurysm and aortic dissection (TAAD). Also called: Thoracic aortic aneurysms and dissections. Identifiers: Orphanet 91387, MedGen C4707243, MONDO:0019625.

gnomAD v4.1: 1 of 1,612,602 alleles (0.000062%); highest among the groups gnomAD compares: Admixed American, 0.0017%; no homozygotes.

Submission:

Color Diagnostics, LLC DBA Color Health
Classification: Uncertain significance for Familial thoracic aortic aneurysm and aortic dissection. Last evaluated: 2025-04-24. Review status: criteria provided, single submitter. Criteria: ACMG Guidelines, 2015. Collection method: clinical testing. Allele origin: germline.
Comment: This missense variant replaces threonine with isoleucine at codon 1887 of the FBN1 protein. Computational prediction suggests that this variant may have a deleterious impact on protein structure and function. To our knowledge, functional studies have not been reported for this variant. This variant has been reported in an individual affected with Marfan syndrome (PMID: 16222657). This variant has not been identified in the general population by the Genome Aggregation Database (gnomAD). The available evidence is insufficient to determine the role of this variant in disease conclusively. Therefore, this variant is classified as a Variant of Uncertain Significance.

Literature cited by the submitters: PubMed 16222657.